The following is an entry in ClinVar:

ClinVar aggregate classification (germline): Uncertain significance (1 of 4 stars; one submission).

Allele frequency attached by ClinVar (database versions not stated): gnomAD exomes 0.00001.
gnomAD v4.1: 8 of 1,614,054 alleles (0.0005%); highest among the groups gnomAD compares: Non-Finnish European, 0.00068%; no homozygotes.

Submission:

Labcorp Genetics (formerly Invitae), Labcorp
Classification: Uncertain significance. Last evaluated: 2022-06-13. Review status: criteria provided, single submitter. Criteria: Invitae Variant Classification Sherloc (09022015). Collection method: clinical testing. Allele origin: germline.
Comment: This sequence change replaces leucine, which is neutral and non-polar, with proline, which is neutral and non-polar, at codon 678 of the MICAL1 protein (p.Leu678Pro). In summary, the available evidence is currently insufficient to determine the role of this variant in disease. Therefore, it has been classified as a Variant of Uncertain Significance. Algorithms developed to predict the effect of missense changes on protein structure and function output the following: SIFT: "Tolerated"; PolyPhen-2: "Benign"; Align-GVGD: "Class C0". The proline amino acid residue is found in multiple mammalian species, which suggests that this missense change does not adversely affect protein function. This variant has not been reported in the literature in individuals affected with MICAL1-related conditions. This variant is not present in population databases (gnomAD no frequency).

NM_022765.4(MICAL1):c.1976T>C (p.Leu659Pro)

Gene: MICAL1 (microtubule associated monooxygenase, calponin and LIM domain containing 1; minus strand). Cytogenetic location: 6q21.
Variant type: single nucleotide variant.
Coding change: c.1976T>C on transcript NM_022765.4 (MANE Select); coding-DNA position 1976, T replaced by C.
Protein change: p.Leu659Pro; replaces leucine 659 with proline.
Molecular consequence: missense variant.
Genome position (GRCh38, 1-based): chr6:109,447,691, A>G on the plus strand (T>C on the coding strand, the complement: MICAL1 is on the minus strand). VCF-style: chr6-109447691-A-G. GRCh37 (hg19) VCF-style: chr6-109768894-A-G.
Other names: c.1718T>C, p.Leu573Pro (NM_001159291.2); c.2033T>C, p.Leu678Pro (NM_001286613.2); short protein forms L659P, L678P, L573P.
Identifiers: ClinVar variation 2005376 (VCV002005376.4), dbSNP rs562686887, ClinGen allele CA365226150.
Genomic context (GRCh38, chr6:109,447,691, plus strand): 5'-AGGGGATAAAATGTGGGGTAGGAGACCGACCCGCCCCTGCCTGCATTCACCTCCAAGCGC[A>G]GCTTCTTGCCACCAGCATCCTCTGCATTTTCCTGCAATAAGTCCTAACAGCTCTAAGTGT-3'
Protein context (NP_073602.3, residues 649-669): ENAEDAGGKK[Leu659Pro]RLEMEAETPS